The following is an entry in ClinVar:

ClinVar aggregate classification (germline): Uncertain significance (1 of 4 stars; one submission).

Submission:

Ambry Genetics
Classification: Uncertain significance. Last evaluated: 2026-07-20. Review status: criteria provided, single submitter. Criteria: Ambry Variant Classification Scheme 2023. Collection method: clinical testing. Allele origin: germline.
Comment: The p.N210D variant (also known as c.628A>G), located in coding exon 2 of the PALLD gene, results from an A to G substitution at nucleotide position 628. The asparagine at codon 210 is replaced by aspartic acid, an amino acid with highly similar properties. This amino acid position is conserved. In addition, this alteration is predicted to be tolerated by in silico analysis. Based on the available evidence, the clinical significance of this variant remains unclear.

NM_001166108.2(PALLD):c.2089A>G (p.Asn697Asp)

Gene: PALLD (palladin, cytoskeletal associated protein; plus strand). Cytogenetic location: 4q32.3.
Variant type: single nucleotide variant.
Coding change: c.2089A>G on transcript NM_001166108.2 (MANE Select); coding-DNA position 2089, A replaced by G.
Protein change: p.Asn697Asp; replaces asparagine 697 with aspartic acid.
Molecular consequence: missense variant. On other transcripts: 5 prime UTR variant (4).
Genome position (GRCh38, 1-based): chr4:168,891,046, A>G. VCF-style: chr4-168891046-A-G. GRCh37 (hg19) VCF-style: chr4-169812197-A-G.
Other names: c.943A>G, p.Asn315Asp (NM_001166109.2); c.628A>G, p.Asn210Asp (NM_001166110.2); c.-33A>G (NM_001367567.1, NM_001367568.1, NM_001367569.1 and 1 more transcripts); c.2089A>G, p.Asn697Asp (NM_016081.4); short protein forms N210D, N697D, N315D.
Identifiers: ClinVar variation 5026224 (VCV005026224.1).